The following is an entry in ClinVar:

NM_006514.4(SCN10A):c.5635G>T (p.Val1879Leu)

Gene: SCN10A (sodium voltage-gated channel alpha subunit 10; minus strand). Cytogenetic location: 3p22.2.
Variant type: single nucleotide variant.
Coding change: c.5635G>T on transcript NM_006514.4 (MANE Select); coding-DNA position 5635, G replaced by T.
Protein change: p.Val1879Leu; replaces valine 1879 with leucine.
Molecular consequence: missense variant.
Genome position (GRCh38, 1-based): chr3:38,697,585, C>A on the plus strand (G>T on the coding strand, the complement: SCN10A is on the minus strand). VCF-style: chr3-38697585-C-A. GRCh37 (hg19) VCF-style: chr3-38739076-C-A.
Other names: c.5632G>T, p.Val1878Leu (NM_001293306.2); c.5341G>T, p.Val1781Leu (NM_001293307.2); short protein forms V1878L, V1781L, V1879L.
Identifiers: ClinVar variation 4614873 (VCV004614873.1).

ClinVar aggregate classification (germline): Uncertain significance (1 of 4 stars; one submission).

Conditions:
Cardiovascular phenotype. Identifiers: MedGen CN230736.

Submission:

Ambry Genetics
Classification: Uncertain significance for Cardiovascular phenotype. Last evaluated: 2025-10-12. Review status: criteria provided, single submitter. Criteria: Ambry Variant Classification Scheme 2023. Collection method: clinical testing. Allele origin: germline.
Comment: The p.V1879L variant (also known as c.5635G>T), located in coding exon 27 of the SCN10A gene, results from a G to T substitution at nucleotide position 5635. The valine at codon 1879 is replaced by leucine, an amino acid with highly similar properties. This amino acid position is conserved. In addition, this alteration is predicted to be tolerated by in silico analysis. Based on the available evidence, the clinical significance of this variant remains unclear.